The following is an entry in ClinVar:

ClinVar aggregate classification (germline): Conflicting classifications of pathogenicity. Review status: criteria provided, conflicting classifications (1 of 4 stars). 6 submissions from 6 submitters: Uncertain significance (5); Likely benign (1). Last evaluated 2025-10-18.

Conditions:
Renal cell carcinoma. Identifiers: Orphanet 217071, MedGen C0007134, MeSH D002292, MONDO:0005086, HP:0005584.
Autosomal recessive nonsyndromic hearing loss 97. Also called: Deafness, autosomal recessive 97. Identifiers: Orphanet 90636, MedGen C4084709, MONDO:0014739, OMIM 616705.
Hereditary cancer-predisposing syndrome. Also called: Hereditary neoplastic syndrome; Tumor predisposition; Neoplastic Syndromes, Hereditary; Hereditary Cancer Syndrome. Identifiers: Orphanet 140162, MedGen C0027672, MeSH D009386, MONDO:0015356.

Allele frequency attached by ClinVar (database versions not stated): TOPMed below 0.00001; gnomAD exomes 0.00001 and 0.00002; ExAC 0.00002; ESP Exome Variant Server 0.00008.
gnomAD v4.1: 20 of 1,614,110 alleles (0.0012%); highest among the groups gnomAD compares: Non-Finnish European, 0.0016%; no homozygotes.

Submissions (6):

Labcorp Genetics (formerly Invitae), Labcorp
Classification: Uncertain significance for Renal cell carcinoma. Last evaluated: 2025-10-18. Review status: criteria provided, single submitter. Criteria: Invitae Variant Classification Sherloc (09022015). Collection method: clinical testing. Allele origin: germline.
Comment: This sequence change replaces arginine, which is basic and polar, with cysteine, which is neutral and slightly polar, at codon 412 of the MET protein (p.Arg412Cys). This variant is present in population databases (rs367628460, gnomAD 0.004%). This variant has not been reported in the literature in individuals affected with MET-related conditions. ClinVar contains an entry for this variant (Variation ID: 524872). An algorithm developed to predict the effect of missense changes on protein structure and function (PolyPhen-2) suggests that this variant is likely to be disruptive. In summary, the available evidence is currently insufficient to determine the role of this variant in disease. Therefore, it has been classified as a Variant of Uncertain Significance.

GeneDx
Classification: Uncertain significance. Last evaluated: 2024-07-08. Review status: criteria provided, single submitter. Criteria: GeneDx Variant Classification Process June 2021. Collection method: clinical testing. Allele origin: germline. Affected: yes.
Comment: Not observed at significant frequency in large population cohorts (gnomAD); In silico analysis indicates that this missense variant does not alter protein structure/function; Has not been previously published as pathogenic or benign to our knowledge

Blueprint Genetics
Classification: Uncertain significance. Last evaluated: 2024-03-26. Review status: criteria provided, single submitter. Criteria: ACMG Guidelines, 2015. Collection method: clinical testing. Allele origin: germline.

Baylor Genetics
Classification: Uncertain significance for Autosomal recessive nonsyndromic hearing loss 97. Last evaluated: 2023-10-03. Review status: criteria provided, single submitter. Criteria: ACMG Guidelines, 2015. Collection method: clinical testing. Allele origin: unknown.

Ambry Genetics
Classification: Likely benign for Hereditary cancer-predisposing syndrome. Last evaluated: 2022-12-01. Review status: criteria provided, single submitter. Criteria: Ambry Variant Classification Scheme 2023. Collection method: clinical testing. Allele origin: germline.

Sema4
Classification: Uncertain significance for Hereditary cancer-predisposing syndrome. Last evaluated: 2021-12-07. Review status: criteria provided, single submitter. Criteria: Sema4 Curation Guidelines. Collection method: curation. Allele origin: germline.
Comment: The MET c.1234C>T (p.R412C) variant has not been reported in the literature to our knowledge. It was observed in 5/113208 chromosomes of the Non-Finnish European subpopulation in the Genome Aggregation Database (PMID: 32461654). The variant has been reported in ClinVar (Variation ID: 524872). Functional studies have not been performed, and in silico predictions of the variant's effect on protein function are inconclusive. The evidence is insufficient to meet ACMG/AMP criteria for classifying the variant as benign or pathogenic. Thus, the clinical significance of this variant is currently uncertain.

NM_000245.4(MET):c.1234C>T (p.Arg412Cys)

Gene: MET (MET proto-oncogene, receptor tyrosine kinase; plus strand). Cytogenetic location: 7q31.2.
Variant type: single nucleotide variant.
Coding change: c.1234C>T on transcript NM_000245.4 (MANE Select); coding-DNA position 1234, C replaced by T.
Protein change: p.Arg412Cys; replaces arginine 412 with cysteine.
Molecular consequence: missense variant. On other transcripts: 5 prime UTR variant (1).
Genome position (GRCh38, 1-based): chr7:116,731,701, C>T. VCF-style: chr7-116731701-C-T. GRCh37 (hg19) VCF-style: chr7-116371755-C-T.
Other names: c.1234C>T, p.Arg412Cys (NM_001127500.3, NM_001324401.3); c.-57C>T (NM_001324402.2); short protein forms R412C.
Identifiers: ClinVar variation 524872 (VCV000524872.16), dbSNP rs367628460, ClinGen allele CA4448118.